The following is an entry in ClinVar:

NM_001379500.1(COL18A1):c.1341_1358del (p.Gln451_Pro456del)

Gene: COL18A1 (collagen type XVIII alpha 1 chain; plus strand). Cytogenetic location: 21q22.3.
Variant type: Deletion.
Coding change: c.1341_1358del on transcript NM_001379500.1 (MANE Select); coding-DNA positions 1341 to 1358, 18 bases deleted (CCCAGGACCCCAAGGGCC).
Protein change: p.Gln451_Pro456del.
Molecular consequence: inframe deletion.
Genome position (GRCh38, 1-based): chr21:45,480,099-45,480,116, CCCAGGACCCCAAGGGCC deleted; deleting any 18 consecutive bases within chr21:45,480,093-45,480,116 gives the same sequence; the c. name uses the placement nearest the transcript's 3' end. VCF-style (leftmost placement, unchanged base first): chr21-45480092-GAGGGCCCCCAGGACCCCA-G. GRCh37 (hg19) VCF-style: chr21-46900006-GAGGGCCCCCAGGACCCCA-G.
Other names: c.1881_1898del, p.Gln631_Pro636del (NM_030582.4); c.2586_2603del, p.Gln866_Pro871del (NM_130444.3).
Identifiers: ClinVar variation 447112 (VCV000447112.4), dbSNP rs753322378, ClinGen allele CA10066264.

ClinVar aggregate classification (germline): Uncertain significance. Review status: criteria provided, multiple submitters, no conflicts (2 of 4 stars). 2 submissions from 2 submitters: Uncertain significance (2). Last evaluated 2022-07-12.

Submissions (2):

Labcorp Genetics (formerly Invitae), Labcorp
Classification: Uncertain significance. Last evaluated: 2022-07-12. Review status: criteria provided, single submitter. Criteria: Invitae Variant Classification Sherloc (09022015). Collection method: clinical testing. Allele origin: germline.
Comment: In summary, the available evidence is currently insufficient to determine the role of this variant in disease. Therefore, it has been classified as a Variant of Uncertain Significance. Experimental studies and prediction algorithms are not available or were not evaluated, and the functional significance of this variant is currently unknown. ClinVar contains an entry for this variant (Variation ID: 447112). This variant has not been reported in the literature in individuals affected with COL18A1-related conditions. This variant is present in population databases (rs753322378, gnomAD 0.01%). This variant, c.1341_1358del, results in the deletion of 6 amino acid(s) of the COL18A1 protein (p.Gln451_Pro456del), but otherwise preserves the integrity of the reading frame.

Athena Diagnostics
Classification: Uncertain significance. Last evaluated: 2017-07-05. Review status: criteria provided, single submitter. Criteria: Athena Diagnostics Criteria. Collection method: clinical testing. Allele origin: germline.